The following is an entry in ClinVar:

NM_000252.3(MTM1):c.898G>A (p.Ala300Thr)

Gene: MTM1 (myotubularin 1; plus strand). Cytogenetic location: Xq28.
Variant type: single nucleotide variant.
Coding change: c.898G>A on transcript NM_000252.3 (MANE Select); coding-DNA position 898, G replaced by A.
Protein change: p.Ala300Thr; replaces alanine 300 with threonine.
Molecular consequence: missense variant.
Genome position (GRCh38, 1-based): chrX:150,649,746, G>A. VCF-style: chrX-150649746-G-A. GRCh37 (hg19) VCF-style: chrX-149818219-G-A.
Other names: c.898G>A, p.Ala300Thr (NM_001376906.1, NM_001376908.1); c.787G>A, p.Ala263Thr (NM_001376907.1); short protein forms A263T, A300T.
Identifiers: ClinVar variation 1484881 (VCV001484881.5), dbSNP rs2148497733, ClinGen allele CA415256805.

ClinVar aggregate classification (germline): Uncertain significance (1 of 4 stars; one submission).

Conditions:
Severe X-linked myotubular myopathy (CNMX). Also called: MYOTUBULAR MYOPATHY 1; X-linked centronuclear myopathy; Myotubular myopathy, X-linked. Identifiers: Orphanet 596, MedGen C0410203, MONDO:0010683, OMIM 310400.

gnomAD v4.1: 1 of 1,209,154 alleles (0.000083%); highest among the groups gnomAD compares: South Asian, 0.0018%; no homozygotes.

Submission:

Labcorp Genetics (formerly Invitae), Labcorp
Classification: Uncertain significance for Severe X-linked myotubular myopathy. Last evaluated: 2021-09-17. Review status: criteria provided, single submitter. Criteria: Invitae Variant Classification Sherloc (09022015). Collection method: clinical testing. Allele origin: germline.
Comment: This sequence change replaces alanine with threonine at codon 300 of the MTM1 protein (p.Ala300Thr). The alanine residue is moderately conserved and there is a small physicochemical difference between alanine and threonine. This variant is not present in population databases (ExAC no frequency). This variant has not been reported in the literature in individuals affected with MTM1-related conditions. Algorithms developed to predict the effect of missense changes on protein structure and function (SIFT, PolyPhen-2, Align-GVGD) all suggest that this variant is likely to be tolerated. In summary, the available evidence is currently insufficient to determine the role of this variant in disease. Therefore, it has been classified as a Variant of Uncertain Significance.